The following is an entry in ClinVar:

ClinVar aggregate classification (germline): Uncertain significance (1 of 4 stars; one submission).

Conditions:
Catecholaminergic polymorphic ventricular tachycardia 1. Also called: VENTRICULAR TACHYCARDIA, CATECHOLAMINERGIC POLYMORPHIC, 1, WITH OR WITHOUT ATRIAL DYSFUNCTION AND/OR DILATED CARDIOMYOPATHY; RYR2-Related Catecholaminergic Polymorphic Ventricular Tachycardia; VENTRICULAR TACHYCARDIA, STRESS-INDUCED POLYMORPHIC 1. Identifiers: Orphanet 3286, MedGen C1631597, MONDO:0011484, OMIM 604772.

gnomAD v4.1: 1 of 1,572,910 alleles (0.000064%); highest among the groups gnomAD compares: South Asian, 0.0012%; no homozygotes.

Submission:

Labcorp Genetics (formerly Invitae), Labcorp
Classification: Uncertain significance for Catecholaminergic polymorphic ventricular tachycardia 1. Last evaluated: 2024-12-18. Review status: criteria provided, single submitter. Criteria: Invitae Variant Classification Sherloc (09022015). Collection method: clinical testing. Allele origin: germline.
Comment: This sequence change replaces asparagine, which is neutral and polar, with threonine, which is neutral and polar, at codon 3806 of the RYR2 protein (p.Asn3806Thr). This variant is not present in population databases (gnomAD no frequency). This variant has not been reported in the literature in individuals affected with RYR2-related conditions. Invitae Evidence Modeling of protein sequence and biophysical properties (such as structural, functional, and spatial information, amino acid conservation, physicochemical variation, residue mobility, and thermodynamic stability) has been performed for this missense variant. However, the output from this modeling did not meet the statistical confidence thresholds required to predict the impact of this variant on RYR2 protein function. In summary, the available evidence is currently insufficient to determine the role of this variant in disease. Therefore, it has been classified as a Variant of Uncertain Significance.

NM_001035.3(RYR2):c.11417A>C (p.Asn3806Thr)

Gene: RYR2 (ryanodine receptor 2; plus strand). Cytogenetic location: 1q43.
Variant type: single nucleotide variant.
Coding change: c.11417A>C on transcript NM_001035.3 (MANE Select); coding-DNA position 11417, A replaced by C.
Protein change: p.Asn3806Thr; replaces asparagine 3806 with threonine.
Molecular consequence: missense variant.
Genome position (GRCh38, 1-based): chr1:237,760,969, A>C. VCF-style: chr1-237760969-A-C. GRCh37 (hg19) VCF-style: chr1-237924269-A-C.
Other names: short protein forms N3806T.
Identifiers: ClinVar variation 3633830 (VCV003633830.2).